The following is an entry in ClinVar:

ClinVar aggregate classification (germline): Uncertain significance. Review status: criteria provided, multiple submitters, no conflicts (2 of 4 stars). 2 submissions from 2 submitters: Uncertain significance (2). Last evaluated 2025-07-29.

gnomAD v4.1: 5 of 1,599,506 alleles (0.00031%); highest among the groups gnomAD compares: African/African-American, 0.0054%; no homozygotes.

Submissions (2):

Labcorp Genetics (formerly Invitae), Labcorp
Classification: Uncertain significance. Last evaluated: 2025-07-29. Review status: criteria provided, single submitter. Criteria: Invitae Variant Classification Sherloc (09022015). Collection method: clinical testing. Allele origin: germline.
Comment: This sequence change replaces threonine, which is neutral and polar, with methionine, which is neutral and non-polar, at codon 1213 of the APC2 protein (p.Thr1213Met). This variant is present in population databases (no rsID available, gnomAD 0.01%). This variant has not been reported in the literature in individuals affected with APC2-related conditions. ClinVar contains an entry for this variant (Variation ID: 1707018). Invitae Evidence Modeling of protein sequence and biophysical properties (such as structural, functional, and spatial information, amino acid conservation, physicochemical variation, residue mobility, and thermodynamic stability) indicates that this missense variant is expected to disrupt APC2 protein function with a positive predictive value of 80%. In summary, the available evidence is currently insufficient to determine the role of this variant in disease. Therefore, it has been classified as a Variant of Uncertain Significance.

GeneDx
Classification: Uncertain significance. Last evaluated: 2022-03-20. Review status: criteria provided, single submitter. Criteria: GeneDx Variant Classification Process June 2021. Collection method: clinical testing. Allele origin: germline. Affected: yes.
Comment: Not observed at significant frequency in large population cohorts (gnomAD); In silico analysis supports that this missense variant has a deleterious effect on protein structure/function; Has not been previously published as pathogenic or benign to our knowledge

NM_005883.3(APC2):c.3638C>T (p.Thr1213Met)

Gene: APC2 (APC regulator of Wnt signaling pathway 2; plus strand). Cytogenetic location: 19p13.3.
Variant type: single nucleotide variant.
Coding change: c.3638C>T on transcript NM_005883.3 (MANE Select); coding-DNA position 3638, C replaced by T.
Protein change: p.Thr1213Met; replaces threonine 1213 with methionine.
Molecular consequence: missense variant.
Genome position (GRCh38, 1-based): chr19:1,466,939, C>T. VCF-style: chr19-1466939-C-T. GRCh37 (hg19) VCF-style: chr19-1466938-C-T.
Other names: c.3635C>T, p.Thr1212Met (NM_001351273.1); short protein forms T1212M, T1213M.
Identifiers: ClinVar variation 1707018 (VCV001707018.3), dbSNP rs1368929020, ClinGen allele CA403031277.